The following is an entry in ClinVar:

NM_019112.4(ABCA7):c.5057A>G (p.Gln1686Arg)

Gene: ABCA7 (ATP binding cassette subfamily A member 7; plus strand). Cytogenetic location: 19p13.3.
Variant type: single nucleotide variant.
Coding change: c.5057A>G on transcript NM_019112.4 (MANE Select); coding-DNA position 5057, A replaced by G.
Protein change: p.Gln1686Arg; replaces glutamine 1686 with arginine.
Molecular consequence: missense variant.
Genome position (GRCh38, 1-based): chr19:1,058,177, A>G. VCF-style: chr19-1058177-A-G. GRCh37 (hg19) VCF-style: chr19-1058176-A-G.
Other names: short protein forms Q1686R.
Identifiers: ClinVar variation 1246709 (VCV001246709.5), dbSNP rs4147918, ClinGen allele CA9034701.

ClinVar aggregate classification (germline): Benign. Review status: criteria provided, multiple submitters, no conflicts (2 of 4 stars). 3 submissions from 3 submitters: Benign (2). 1 of the submissions does not count toward it. Last evaluated 2019-08-22.

Conditions:
ABCA7-related disorder. Also called: ABCA7-related condition.

Allele frequency attached by ClinVar (database versions not stated): ESP Exome Variant Server 0.03014; TOPMed 0.03085; gnomAD 0.03262 and 0.03561; gnomAD exomes 0.04371 and 0.04775; ExAC 0.04785; 1000 Genomes Project 30x 0.05356; 1000 Genomes Project 0.05651.
gnomAD v4.1: 69,345 of 1,613,750 alleles (4.3%); highest among the groups gnomAD compares: East Asian, 15%; 1,989 homozygotes.

Submissions (3):

GeneDx
Classification: Benign. Last evaluated: 2019-08-22. Review status: criteria provided, single submitter. Criteria: GeneDx Variant Classification Process June 2021. Collection method: clinical testing. Allele origin: germline. Affected: yes.
Comment: This variant is associated with the following publications: (PMID: 31182772, 30917570)

Breakthrough Genomics
Classification: Benign. Review status: criteria provided, single submitter. Criteria: ACMG Guidelines, 2015. Collection method: not provided. Allele origin: germline. Inheritance: Autosomal dominant inheritance. Affected: yes.

PreventionGenetics, part of Exact Sciences
Classification: Benign for ABCA7-related condition. Last evaluated: 2019-03-05. Review status: no assertion criteria provided. Collection method: clinical testing. Allele origin: germline. Not counted in ClinVar's aggregate classification.
Comment: This variant is classified as benign based on ACMG/AMP sequence variant interpretation guidelines (Richards et al. 2015 PMID: 25741868, with internal and published modifications).